The following is an entry in ClinVar:

NM_000536.4(RAG2):c.1334dup (p.Tyr445Ter)

Gene: RAG2 (recombination activating 2; minus strand). Cytogenetic location: 11p12.
Variant type: Duplication.
Coding change: c.1334dup on transcript NM_000536.4 (MANE Select); coding-DNA position 1334, one base duplicated (A; older notation c.1334dupA).
Protein change: p.Tyr445Ter; replaces tyrosine 445 with a stop codon.
Molecular consequence: nonsense.
Genome position (GRCh38, 1-based): chr11:36,592,835, T duplicated on the plus strand (A on the coding strand, the reverse complement: RAG2 is on the minus strand). VCF-style (leftmost placement, unchanged base first): chr11-36592834-G-GT. GRCh37 (hg19) VCF-style: chr11-36614384-G-GT.
Other names: c.1334dup, p.Tyr445Ter (NM_001243785.2, NM_001243786.2); short protein forms Y445*.
Identifiers: ClinVar variation 2030370 (VCV002030370.4), dbSNP rs2494788127, ClinGen allele CA2580084095.
Genomic context (GRCh38, chr11:36,592,834, plus strand): 5'-TGTGCGTTCTGCCAGATCCATGCACTGAGCATGGACCCAGTGCCCATCCCCATGAGAGCA[G>GT]TAGATCATGGCGGGTTTGTTGAGCTCAGTTGAATAGAATGGTACCCAAGTGTTGATATCC-3'

ClinVar aggregate classification (germline): Pathogenic (1 of 4 stars; one submission).

Conditions:
Severe combined immunodeficiency, autosomal recessive, T cell-negative, B cell-negative, NK cell-positive. Also called: Severe combined immunodeficiency due to complete RAG1/2 deficiency; SCID, AR, T-cell negative, B-cell negative, NK cell-positive; SCID, T CELL-NEGATIVE, B CELL-NEGATIVE, NK CELL-POSITIVE. Identifiers: Orphanet 331206, MedGen C1832322, MONDO:0011086, OMIM 601457.
Combined immunodeficiency with skin granulomas. Identifiers: Orphanet 157949, MedGen C2673536, MONDO:0009306, OMIM 233650.

Submission:

Labcorp Genetics (formerly Invitae), Labcorp
Classification: Pathogenic for Combined immunodeficiency with skin granulomas; Severe combined immunodeficiency, autosomal recessive, T cell-negative, B cell-negative, NK cell-positive. Last evaluated: 2022-09-22. Review status: criteria provided, single submitter. Criteria: Invitae Variant Classification Sherloc (09022015). Collection method: clinical testing. Allele origin: germline.
Comment: For these reasons, this variant has been classified as Pathogenic. This variant disrupts a region of the RAG2 protein in which other variant(s) (p.Glu480*) have been determined to be pathogenic (PMID: 21624848, 29772310). This suggests that this is a clinically significant region of the protein, and that variants that disrupt it are likely to be disease-causing. This variant has not been reported in the literature in individuals affected with RAG2-related conditions. This variant is not present in population databases (gnomAD no frequency). This sequence change creates a premature translational stop signal (p.Tyr445*) in the RAG2 gene. While this is not anticipated to result in nonsense mediated decay, it is expected to disrupt the last 83 amino acid(s) of the RAG2 protein.

Literature cited by the submitters: PubMed 21624848; PubMed 29772310.